The following is an entry in ClinVar:

NM_015909.4(NBAS):c.6316C>T (p.Arg2106Cys)

Gene: NBAS (NBAS subunit of NRZ tethering complex; minus strand). Cytogenetic location: 2p24.3.
Variant type: single nucleotide variant.
Coding change: c.6316C>T on transcript NM_015909.4 (MANE Select); coding-DNA position 6316, C replaced by T.
Protein change: p.Arg2106Cys; replaces arginine 2106 with cysteine.
Molecular consequence: missense variant.
Genome position (GRCh38, 1-based): chr2:15,218,889, G>A on the plus strand (C>T on the coding strand, the complement: NBAS is on the minus strand). VCF-style: chr2-15218889-G-A. GRCh37 (hg19) VCF-style: chr2-15359013-G-A.
Other names: c.6316C>T (NM_015909.2); short protein forms R2106C.
Identifiers: ClinVar variation 2177557 (VCV002177557.2), dbSNP rs553094685, ClinGen allele CA1535040.

ClinVar aggregate classification (germline): Uncertain significance. Review status: criteria provided, multiple submitters, no conflicts (2 of 4 stars). 2 submissions from 2 submitters: Uncertain significance (2). Last evaluated 2025-09-01.

Conditions:
Inborn genetic diseases. Identifiers: MedGen C0950123, MeSH D030342.

Allele frequency attached by ClinVar (database versions not stated): gnomAD 0.00001; ExAC 0.00002.

Submissions (2):

Ambry Genetics
Classification: Uncertain significance for Inborn genetic diseases. Last evaluated: 2025-09-01. Review status: criteria provided, single submitter. Criteria: Ambry Variant Classification Scheme 2023. Collection method: clinical testing. Allele origin: germline.

Labcorp Genetics (formerly Invitae), Labcorp
Classification: Uncertain significance. Last evaluated: 2022-07-15. Review status: criteria provided, single submitter. Criteria: Invitae Variant Classification Sherloc (09022015). Collection method: clinical testing. Allele origin: germline.
Comment: This sequence change replaces arginine, which is basic and polar, with cysteine, which is neutral and slightly polar, at codon 2106 of the NBAS protein (p.Arg2106Cys). This variant is present in population databases (rs553094685, gnomAD 0.003%). This variant has not been reported in the literature in individuals affected with NBAS-related conditions. Algorithms developed to predict the effect of missense changes on protein structure and function (SIFT, PolyPhen-2, Align-GVGD) all suggest that this variant is likely to be disruptive. In summary, the available evidence is currently insufficient to determine the role of this variant in disease. Therefore, it has been classified as a Variant of Uncertain Significance.